The following is an entry in ClinVar:

ClinVar aggregate classification (germline): Uncertain significance (1 of 4 stars; one submission).

gnomAD v4.1: 3 of 1,613,714 alleles (0.00019%); highest among the groups gnomAD compares: Admixed American, 0.005%; no homozygotes.

Submission:

CeGaT Center for Human Genetics Tuebingen
Classification: Uncertain significance. Last evaluated: 2025-10-01. Review status: criteria provided, single submitter. Criteria: CeGaT Center For Human Genetics Tuebingen Variant Classification Criteria Version 2. Collection method: clinical testing. Allele origin: germline. Affected: yes. Observed: 1 variant allele.
Comment: PRKD1: PM2, BP4

NM_002742.3(PRKD1):c.2677G>A (p.Asp893Asn)

Gene: PRKD1 (protein kinase D1; minus strand). Cytogenetic location: 14q12.
Variant type: single nucleotide variant.
Coding change: c.2677G>A on transcript NM_002742.3 (MANE Select); coding-DNA position 2677, G replaced by A.
Protein change: p.Asp893Asn; replaces aspartic acid 893 with asparagine.
Molecular consequence: missense variant.
Genome position (GRCh38, 1-based): chr14:29,577,300, C>T on the plus strand (G>A on the coding strand, the complement: PRKD1 is on the minus strand). VCF-style: chr14-29577300-C-T. GRCh37 (hg19) VCF-style: chr14-30046506-C-T.
Other names: c.2701G>A, p.Asp901Asn (NM_001330069.2); c.2413G>A, p.Asp805Asn (NM_001348390.1); short protein forms D805N, D893N, D901N.
Identifiers: ClinVar variation 4281046 (VCV004281046.7).
Genomic context (GRCh38, chr14:29,577,300, plus strand): 5'-AGAGGATGCTGACACGCTCACCGAGGGCTTTCATTTCTGTTTCTTCAGTCTCAGGAGTGT[C>T]ACTGTGGCTAGCACTTGGATTGATCAGGTGTGTGGGGTACTGCAGCCCCTGCTCGCCTGC-3'
Protein context (NP_002733.2, residues 883-903): HLINPSASHS[Asp893Asn]TPETEETEMK